The following is an entry in ClinVar:

ClinVar aggregate classification (germline): Pathogenic (1 of 4 stars; one submission).

Conditions:
Galactosylceramide beta-galactosidase deficiency. Also called: GALACTOCEREBROSIDASE DEFICIENCY; GALC DEFICIENCY; GLOBOID CELL LEUKOENCEPHALOPATHY; Leukodystrophy, Globoid Cell; Krabbe Disease. Identifiers: Orphanet 487, MedGen C0023521, MONDO:0009499, OMIM 245200.

Submission:

Myriad Genetics, Inc.
Classification: Pathogenic for Galactosylceramide beta-galactosidase deficiency. Last evaluated: 2025-05-08. Review status: criteria provided, single submitter. Criteria: Myriad Autosomal Dominant, Autosomal Recessive and X-Linked Classification Criteria (2023). Collection method: clinical testing. Allele origin: unknown.
Comment: NM_000153.3(GALC):c.7G>T(E3*) is a nonsense variant classified as pathogenic in the context of Krabbe disease. E3* has not been observed in cases with relevant disease. Relevant functional assessments of this variant are not available in the literature. E3* has not been observed in referenced population frequency databases. In summary, NM_000153.3(GALC):c.7G>T(E3*) is a nonsense variant in a gene where loss of function is a known mechanism of disease and is predicted to disrupt protein function. Please note: this variant was assessed in the context of healthy population screening.

NM_000153.4(GALC):c.7G>T (p.Glu3Ter)

Gene: GALC (galactosylceramidase; minus strand). Cytogenetic location: 14q31.3.
Variant type: single nucleotide variant.
Coding change: c.7G>T on transcript NM_000153.4 (MANE Select); coding-DNA position 7, G replaced by T.
Protein change: p.Glu3Ter; replaces glutamic acid 3 with a stop codon.
Molecular consequence: nonsense. On other transcripts: 5 prime UTR variant (3), non-coding transcript variant (1), intron variant (2).
Genome position (GRCh38, 1-based): chr14:87,993,158, C>A on the plus strand (G>T on the coding strand, the complement: GALC is on the minus strand). VCF-style: chr14-87993158-C-A. GRCh37 (hg19) VCF-style: chr14-88459502-C-A.
Other names: c.7G>T, p.Glu3Ter (NM_001201401.2); c.-264G>T (NM_001424072.1); c.-430G>T (NM_001424075.1); c.-661G>T (NM_001424077.1); c.-473+225G>T (NM_001424076.1); c.117+225G>T (NM_001201402.2); short protein forms E3*.
Identifiers: ClinVar variation 4081690 (VCV004081690.1).